The following is an entry in ClinVar:

NM_001282874.2(SMARCA1):c.1971dup (p.Asn658Ter)

Gene: SMARCA1 (SNF2 related chromatin remodeling ATPase 1; minus strand). Cytogenetic location: Xq25.
Variant type: Duplication.
Coding change: c.1971dup on transcript NM_001282874.2 (MANE Select); coding-DNA position 1971, one base duplicated (T; older notation c.1971dupT).
Protein change: p.Asn658Ter; replaces asparagine 658 with a stop codon.
Molecular consequence: nonsense.
Genome position (GRCh38, 1-based): chrX:129,489,063, A duplicated on the plus strand (T on the coding strand, the reverse complement: SMARCA1 is on the minus strand). VCF-style (leftmost placement, unchanged base first): chrX-129489062-T-TA. GRCh37 (hg19) VCF-style: chrX-128623039-T-TA.
Other names: c.1935dup, p.Asn646Ter (NM_001282875.2, NM_001378262.1, NM_001378263.1 and 1 more transcripts); c.1971dup, p.Asn658Ter (NM_001378261.1, NM_003069.5); short protein forms N646*, N658*.
Identifiers: ClinVar variation 3901129 (VCV003901129.1).

ClinVar aggregate classification (germline): Likely pathogenic (1 of 4 stars; one submission).

Conditions:
Neurodevelopmental disorder. Identifiers: MedGen C1535926, MeSH D065886, MONDO:0700092.

Submission:

Developmental Brain Disorders Lab, Seattle Children's Hospital
Classification: Likely pathogenic for Neurodevelopmental disorder. Last evaluated: 2025-05-01. Review status: criteria provided, single submitter. Criteria: ACMG Guidelines, 2015. Collection method: research. Allele origin: unknown. Affected: yes.
Comment: This variant is a nonsense variant in a gene where loss of function is a proposed mechanism of disease. It is absent in gnomAD v4.1.0. It meets ACMG variant classification criteria (PVS1, PM2) (PMID:25741868).